The following is an entry in ClinVar:

NM_001013838.3(CARMIL2):c.2873_2874dup (p.Phe959fs)

Gene: CARMIL2 (capping protein regulator and myosin 1 linker 2; plus strand). Cytogenetic location: 16q22.1.
Variant type: Duplication.
Coding change: c.2873_2874dup on transcript NM_001013838.3 (MANE Select); coding-DNA positions 2873 to 2874, 2 bases duplicated (CC; older notation c.2873_2874dupCC).
Protein change: p.Phe959fs; shifts the reading frame from phenylalanine 959.
Molecular consequence: frameshift variant.
Genome position (GRCh38, 1-based): chr16:67,652,527-67,652,528, CC duplicated; duplicating any 2 consecutive bases within chr16:67,652,525-67,652,528 gives the same sequence; the c. name uses the placement nearest the transcript's 3' end. VCF-style (leftmost placement, unchanged base first): chr16-67652524-T-TCC. GRCh37 (hg19) VCF-style: chr16-67686427-T-TCC.
Other names: c.2765_2766dup, p.Phe923fs (NM_001317026.3, NM_001438244.1, NM_001438835.1); short protein forms F923fs, F959fs.
Identifiers: ClinVar variation 4734909 (VCV004734909.1).
Genomic context (GRCh38, chr16:67,652,524, plus strand): 5'-CCCACCAGGATGACAGTCCTCCACAGAAATGGCCTGAGCTCAGCCACGGTCTTCACCTGG[T>TCC]CCCCTTCATTCACAGTAAGTCAGGGCCTTGGGGGAGGGAGTTTACGTGGGTGGGCTGAAG-3'

ClinVar aggregate classification (germline): Pathogenic (1 of 4 stars; one submission).

Submission:

Labcorp Genetics (formerly Invitae), Labcorp
Classification: Pathogenic. Last evaluated: 2026-02-01. Review status: criteria provided, single submitter. Criteria: Invitae Variant Classification Sherloc (09022015). Collection method: clinical testing. Allele origin: germline.
Comment: This sequence change creates a premature translational stop signal (p.Phe959Profs*111) in the CARMIL2 gene. It is expected to result in an absent or disrupted protein product. Loss-of-function variants in CARMIL2 are known to be pathogenic (PMID: 27647349, 28112205). This variant is not present in population databases (gnomAD no frequency). This variant has not been reported in the literature in individuals affected with CARMIL2-related conditions. For these reasons, this variant has been classified as Pathogenic.

Literature cited by the submitters: PubMed 27647349; PubMed 28112205.